The following is an entry in ClinVar:

NM_000089.4(COL1A2):c.693+2T>A

Gene: COL1A2 (collagen type I alpha 2 chain; plus strand). Cytogenetic location: 7q21.3.
Variant type: single nucleotide variant.
Coding change: c.693+2T>A on transcript NM_000089.4 (MANE Select); the canonical splice donor site of the intron after coding-DNA position 693, T replaced by A.
Molecular consequence: splice donor variant.
Genome position (GRCh38, 1-based): chr7:94,408,238, T>A. VCF-style: chr7-94408238-T-A. GRCh37 (hg19) VCF-style: chr7-94037550-T-A.
Identifiers: ClinVar variation 3759114 (VCV003759114.2).

ClinVar aggregate classification (germline): Pathogenic (1 of 4 stars; one submission).

Conditions:
Ehlers-Danlos syndrome, classic type, 1 (EDSCL1). Also called: EHLERS-DANLOS SYNDROME, GRAVIS TYPE; EHLERS-DANLOS SYNDROME, SEVERE CLASSIC TYPE; Ehlers-Danlos syndrome, type 1; Ehlers-Danlos Syndrome, Classic Type, COL5A1-Related; EDS I. Identifiers: MedGen C0268335, MONDO:0019567, OMIM 130000.
Osteogenesis imperfecta type I (OI1). Also called: OI, TYPE I; OSTEOGENESIS IMPERFECTA TARDA; OSTEOGENESIS IMPERFECTA WITH BLUE SCLERAE; Osteogenesis imperfecta type 1; Lobstein's Disease; Lobstein disease. Identifiers: Orphanet 216796, Orphanet 666, MedGen C0023931, MONDO:0008146, OMIM 166200. Disease mechanism: loss of function.

Submission:

Labcorp Genetics (formerly Invitae), Labcorp
Classification: Pathogenic for Osteogenesis imperfecta type I; Ehlers-Danlos syndrome, classic type, 1. Last evaluated: 2024-05-14. Review status: criteria provided, single submitter. Criteria: Invitae Variant Classification Sherloc (09022015). Collection method: clinical testing. Allele origin: germline.
Comment: This sequence change affects a donor splice site in intron 14 of the COL1A2 gene. RNA analysis indicates that disruption of this splice site induces altered splicing and likely results in a shortened protein product. This variant is not present in population databases (gnomAD no frequency). Disruption of this splice site has been observed in individual(s) with autosomal dominant osteogenesis imperfecta (PMID: 17078022, 27509835). Studies have shown that disruption of this splice site results in skipping of 14, but is expected to preserve the integrity of the reading-frame (PMID: 17078022). This variant disrupts the triple helix domain of COL1A2. Glycine residues within the Gly-Xaa-Yaa repeats of the triple helix domain are required for the structure and stability of fibrillar collagens (PMID: 7695699, 8218237, 19344236). In COL1A2, variants affecting these glycine residues are significantly enriched in individuals with disease (PMID: 9016532, 17078022) compared to the general population (ExAC). For these reasons, this variant has been classified as Pathogenic.

Literature cited by the submitters: PubMed 17078022; PubMed 27509835; PubMed 7695699; PubMed 8218237; PubMed 19344236; PubMed 9016532.